The following is an entry in ClinVar:

NM_007294.4(BRCA1):c.3624_3625del (p.Lys1208fs)

Genes: BRCA1 (BRCA1 DNA repair associated; minus strand), LOC126862571 (BRD4-independent group 4 enhancer GRCh37_chr17:41243136-41244335; plus strand). Cytogenetic location: 17q21.31.
Variant type: Deletion.
Coding change: c.3624_3625del on transcript NM_007294.4 (MANE Select); coding-DNA positions 3624 to 3625, 2 bases deleted (AT; older notation c.3624_3625delAT).
Protein change: p.Lys1208fs; shifts the reading frame from lysine 1208.
Molecular consequence: frameshift variant. On other transcripts: intron variant (135).
Genome position (GRCh38, 1-based): chr17:43,091,906-43,091,907, AT deleted on the plus strand (AT on the coding strand, the reverse complement: BRCA1 is on the minus strand). VCF-style (leftmost placement, unchanged base first): chr17-43091905-AAT-A. GRCh37 (hg19) VCF-style: chr17-41243922-AAT-A.
Other names: c.3621_3622del, p.Lys1207fs (NM_001407630.1, NM_001407631.1, NM_001407632.1 and 22 more transcripts); c.3624_3625del, p.Lys1208fs (NM_001407639.1, NM_001407640.1, NM_001407641.1 and 30 more transcripts); c.3615_3616del, p.Lys1205fs (NM_001407646.1, NM_001407647.1); c.3501_3502del, p.Lys1167fs (NM_001407648.1, NM_001407664.1, NM_001407665.1 and 19 more transcripts); c.3498_3499del, p.Lys1166fs (NM_001407649.1, NM_001407685.1, NM_001407686.1 and 11 more transcripts); c.3546_3547del, p.Lys1182fs (NM_001407653.1, NM_001407654.1, NM_001407655.1 and 4 more transcripts); c.3543_3544del, p.Lys1181fs (NM_001407659.1, NM_001407660.1, NM_001407661.1 and 1 more transcripts); c.3483_3484del, p.Lys1161fs (NM_001407692.1, NM_001407694.1, NM_001407695.1 and 29 more transcripts); and 41 more; short protein forms K1040fs, K1080fs, K1081fs, K1096fs, K1097fs, K1119fs, K1120fs, K1137fs.
Identifiers: ClinVar variation 4528898 (VCV004528898.1).

ClinVar aggregate classification (germline): Pathogenic (1 of 4 stars; one submission).

Conditions:
Inherited breast cancer and ovarian cancer.

Submission:

Genetics Laboratory, Great Ormond Street Hospital NHS Foundation Trust, North Thames Genomic Laboratory Hub
Classification: Pathogenic for Inherited breast cancer and ovarian cancer. Last evaluated: 2025-09-16. Review status: criteria provided, single submitter. Criteria: CanVIG BRCA Gene Specific V1.22. Collection method: clinical testing. Allele origin: germline. Affected: yes.
Comment: PM2_moderate, PVS1_very-strong, PM5_strong